The following is an entry in ClinVar:

ClinVar aggregate classification (germline): Uncertain significance (1 of 4 stars; one submission).

gnomAD v4.1: 19 of 1,537,498 alleles (0.0012%); highest among the groups gnomAD compares: Non-Finnish European, 0.0017%; no homozygotes.

Submission:

GeneDx
Classification: Uncertain significance. Last evaluated: 2026-07-31. Review status: criteria provided, single submitter. Criteria: GeneDx Variant Classification Process June 2021. Collection method: clinical testing. Allele origin: germline.
Comment: Not observed at significant frequency in large population cohorts (gnomAD); In silico analysis supports that this missense variant has a deleterious effect on protein structure/function; Has not been previously published as pathogenic or benign to our knowledge

NM_000748.3(CHRNB2):c.1295G>T (p.Arg432Leu)

Gene: CHRNB2 (cholinergic receptor nicotinic beta 2 subunit; plus strand). Cytogenetic location: 1q21.3.
Variant type: single nucleotide variant.
Coding change: c.1295G>T on transcript NM_000748.3 (MANE Select); coding-DNA position 1295, G replaced by T.
Protein change: p.Arg432Leu; replaces arginine 432 with leucine.
Molecular consequence: missense variant.
Genome position (GRCh38, 1-based): chr1:154,572,118, G>T. VCF-style: chr1-154572118-G-T. GRCh37 (hg19) VCF-style: chr1-154544594-G-T.
Other names: short protein forms R432L.
Identifiers: ClinVar variation 423755 (VCV000423755.3), dbSNP rs747248135, ClinGen allele CA16616991.